The following is an entry in ClinVar:

ClinVar aggregate classification (germline): Uncertain significance (1 of 4 stars; one submission).

gnomAD v4.1: 4 of 1,613,860 alleles (0.00025%); highest among the groups gnomAD compares: Admixed American, 0.0067%; no homozygotes.

Submission:

Labcorp Genetics (formerly Invitae), Labcorp
Classification: Uncertain significance. Last evaluated: 2024-10-16. Review status: criteria provided, single submitter. Criteria: Invitae Variant Classification Sherloc (09022015). Collection method: clinical testing. Allele origin: germline.
Comment: This sequence change replaces valine, which is neutral and non-polar, with glycine, which is neutral and non-polar, at codon 784 of the SLCO5A1 protein (p.Val784Gly). This variant is present in population databases (rs758692121, gnomAD 0.006%). This variant has not been reported in the literature in individuals affected with SLCO5A1-related conditions. An algorithm developed to predict the effect of missense changes on protein structure and function (PolyPhen-2) suggests that this variant is likely to be disruptive. In summary, the available evidence is currently insufficient to determine the role of this variant in disease. Therefore, it has been classified as a Variant of Uncertain Significance.

NM_030958.3(SLCO5A1):c.2351T>G (p.Val784Gly)

Gene: SLCO5A1 (solute carrier organic anion transporter family member 5A1; minus strand). Cytogenetic location: 8q13.3.
Variant type: single nucleotide variant.
Coding change: c.2351T>G on transcript NM_030958.3 (MANE Select); coding-DNA position 2351, T replaced by G.
Protein change: p.Val784Gly; replaces valine 784 with glycine.
Molecular consequence: missense variant. On other transcripts: 3 prime UTR variant (1).
Genome position (GRCh38, 1-based): chr8:69,673,065, A>C on the plus strand (T>G on the coding strand, the complement: SLCO5A1 is on the minus strand). VCF-style: chr8-69673065-A-C. GRCh37 (hg19) VCF-style: chr8-70585300-A-C.
Other names: c.*222T>G (NM_001146008.2); c.2186T>G, p.Val729Gly (NM_001146009.1); short protein forms V729G, V784G.
Identifiers: ClinVar variation 3701155 (VCV003701155.2).